The following is an entry in ClinVar:

ClinVar aggregate classification (germline): Uncertain significance (1 of 4 stars; one submission).

Conditions:
Inborn genetic diseases. Identifiers: MedGen C0950123, MeSH D030342.

Submission:

Ambry Genetics
Classification: Uncertain significance for Inborn genetic diseases. Last evaluated: 2026-04-19. Review status: criteria provided, single submitter. Criteria: Ambry Variant Classification Scheme 2023. Collection method: clinical testing. Allele origin: germline.
Comment: The p.S227R variant (also known as c.681T>G), located in coding exon 2 of the GATA2 gene, results from a T to G substitution at nucleotide position 681. The serine at codon 227 is replaced by arginine, an amino acid with dissimilar properties. This amino acid position is conserved. In addition, this alteration is predicted to be deleterious by in silico analysis. Based on the available evidence, the clinical significance of this variant remains unclear.

NM_032638.5(GATA2):c.681T>G (p.Ser227Arg)

Gene: GATA2 (GATA binding protein 2; minus strand). Cytogenetic location: 3q21.3.
Variant type: single nucleotide variant.
Coding change: c.681T>G on transcript NM_032638.5 (MANE Select); coding-DNA position 681, T replaced by G.
Protein change: p.Ser227Arg; replaces serine 227 with arginine.
Molecular consequence: missense variant.
Genome position (GRCh38, 1-based): chr3:128,485,917, A>C on the plus strand (T>G on the coding strand, the complement: GATA2 is on the minus strand). VCF-style: chr3-128485917-A-C. GRCh37 (hg19) VCF-style: chr3-128204760-A-C.
Other names: c.681T>G, p.Ser227Arg (NM_001145661.2, NM_001145662.1); short protein forms S227R.
Identifiers: ClinVar variation 4871679 (VCV004871679.1).